The following is an entry in ClinVar:

NM_000059.4(BRCA2):c.8623del (p.Glu2875fs)

Gene: BRCA2 (BRCA2 DNA repair associated; plus strand). Cytogenetic location: 13q13.1.
Variant type: Deletion.
Coding change: c.8623del on transcript NM_000059.4 (MANE Select); coding-DNA position 8623, one base deleted (G; older notation c.8623delG).
Protein change: p.Glu2875fs; shifts the reading frame from glutamic acid 2875.
Molecular consequence: frameshift variant.
Genome position (GRCh38, 1-based): chr13:32,371,091, G deleted. VCF-style (leftmost placement, unchanged base first): chr13-32371090-AG-A. GRCh37 (hg19) VCF-style: chr13-32945227-AG-A.
Other names: c.8527delG, p.Glu2843Asnfs (NM_001406719.1); c.8623delG, p.Glu2875Asnfs (NM_001406720.1); c.3691delG, p.Glu1231Asnfs (NM_001406721.1); c.2206delG, p.Glu736Asnfs (NM_001406722.1); short protein forms E2875fs.
Identifiers: ClinVar variation 1764078 (VCV001764078.2), dbSNP rs2548550907, ClinGen allele CA2580087407.

ClinVar aggregate classification (germline): Pathogenic (1 of 4 stars; one submission).

Conditions:
Hereditary cancer-predisposing syndrome. Also called: Neoplastic Syndromes, Hereditary; Tumor predisposition; Hereditary Cancer Syndrome; Hereditary neoplastic syndrome. Identifiers: Orphanet 140162, MedGen C0027672, MeSH D009386, MONDO:0015356.

Submission:

Ambry Genetics
Classification: Pathogenic for Hereditary cancer-predisposing syndrome. Last evaluated: 2018-01-28. Review status: criteria provided, single submitter. Criteria: Ambry Variant Classification Scheme 2023. Collection method: clinical testing. Allele origin: germline.
Comment: The c.8623delG pathogenic mutation, located in coding exon 19 of the BRCA2 gene, results from a deletion of one nucleotide at nucleotide position 8623, causing a translational frameshift with a predicted alternate stop codon (p.E2875Nfs*16). This alteration is expected to result in loss of function by premature protein truncation or nonsense-mediated mRNA decay. As such, this alteration is interpreted as a disease-causing mutation.